The following is an entry in ClinVar:

ClinVar aggregate classification (germline): Uncertain significance. Review status: criteria provided, multiple submitters, no conflicts (2 of 4 stars). 2 submissions from 2 submitters: Uncertain significance (2). Last evaluated 2024-07-15.

Submissions (2):

GeneDx
Classification: Uncertain significance. Last evaluated: 2024-07-15. Review status: criteria provided, single submitter. Criteria: GeneDx Variant Classification Process June 2021. Collection method: clinical testing. Allele origin: germline. Affected: yes.
Comment: Not observed at significant frequency in large population cohorts (gnomAD); In silico analysis supports that this missense variant has a deleterious effect on protein structure/function; This variant is associated with the following publications: (PMID: Rippert2023[article], 37652022, 27532257, 29300372, 32746448)

Laboratory for Molecular Medicine, Mass General Brigham Personalized Medicine
Classification: Uncertain significance. Last evaluated: 2019-03-13. Review status: criteria provided, single submitter. Criteria: LMM Criteria. Collection method: clinical testing. Allele origin: germline. Observed: 1 variant allele.
Comment: Variant classified as Uncertain Significance - Favor Pathogenic. The p.Pro307Leu variant in MYH7 has not been previously reported in individuals with cardiomyopathy and was absent from large population studies. Computational prediction tools and conservation analysis do not provide strong support for or against an impact to the protein. Of note, this variant lies in the head region of the protein. Missense variants in this region have been reported and statistically indicated to be more likely to cause disease (Walsh 2016). In addition, two other variants involving this codon, p.Pro307His and p.Pro307Arg, have been identified in individuals with HCM (Mademont-Soler 2017, Coppini 2014, Homburger 2016, Walsh 2017). In summary, while there is some suspicion for a pathogenic role, the clinical significance of this variant is uncertain. ACMG/AMP Criteria applied: PM1, PM2.

Literature cited by the submitters: PubMed 27532257 (cited by Laboratory for Molecular Medicine, Mass General Brigham Personalized Medicine).

NM_000257.4(MYH7):c.920C>T (p.Pro307Leu)

Gene: MYH7 (myosin heavy chain 7; minus strand). Cytogenetic location: 14q11.2.
Variant type: single nucleotide variant.
Coding change: c.920C>T on transcript NM_000257.4 (MANE Select); coding-DNA position 920, C replaced by T.
Protein change: p.Pro307Leu; replaces proline 307 with leucine.
Molecular consequence: missense variant.
Genome position (GRCh38, 1-based): chr14:23,430,639, G>A on the plus strand (C>T on the coding strand, the complement: MYH7 is on the minus strand). VCF-style: chr14-23430639-G-A. GRCh37 (hg19) VCF-style: chr14-23899848-G-A.
Other names: short protein forms P307L.
Identifiers: ClinVar variation 43111 (VCV000043111.9), dbSNP rs397516273, ClinGen allele CA016956.